The following is an entry in ClinVar:

NM_020937.4(FANCM):c.2608A>G (p.Asn870Asp)

Gene: FANCM (FA complementation group M; plus strand). Cytogenetic location: 14q21.2.
Variant type: single nucleotide variant.
Coding change: c.2608A>G on transcript NM_020937.4 (MANE Select); coding-DNA position 2608, A replaced by G.
Protein change: p.Asn870Asp; replaces asparagine 870 with aspartic acid.
Molecular consequence: missense variant.
Genome position (GRCh38, 1-based): chr14:45,175,362, A>G. VCF-style: chr14-45175362-A-G. GRCh37 (hg19) VCF-style: chr14-45644565-A-G.
Other names: c.2530A>G, p.Asn844Asp (NM_001308133.2); c.2608A>G (LRG_502t1); short protein forms N844D, N870D.
Identifiers: ClinVar variation 647369 (VCV000647369.12), dbSNP rs1453998176, ClinGen allele CA389598224.
Genomic context (GRCh38, chr14:45,175,362, plus strand): 5'-ATTGTTTCTTTAAAGAAAAAAGTGTCTAAAGAAATAAAAAAAGATCAGCTTAAAAAAGAA[A>G]ATAATCACGGTATTATAGATTCTGTAGATAATGACAGAAATTCCACTGTTGAAAATATTT-3'
Protein context (NP_065988.1, residues 860-880): EIKKDQLKKE[Asn870Asp]NHGIIDSVDN

ClinVar aggregate classification (germline): Uncertain significance. Review status: criteria provided, multiple submitters, no conflicts (2 of 4 stars). 3 submissions from 3 submitters: Uncertain significance (3). Last evaluated 2024-12-20.

Conditions:
Inborn genetic diseases. Identifiers: MedGen C0950123, MeSH D030342.
Fanconi anemia (FA). Also called: Fanconi's anemia. Identifiers: Orphanet 84, MedGen C0015625, MeSH D005199, MONDO:0019391.

Allele frequency attached by ClinVar (database versions not stated): gnomAD 0.00001; TOPMed 0.00001; gnomAD exomes 0.00002.
gnomAD v4.1: 12 of 1,561,826 alleles (0.00077%); highest among the groups gnomAD compares: Non-Finnish European, 0.001%; no homozygotes.

Submissions (3):

Ambry Genetics
Classification: Uncertain significance for Inborn genetic diseases. Last evaluated: 2024-12-20. Review status: criteria provided, single submitter. Criteria: Ambry Variant Classification Scheme 2023. Collection method: clinical testing. Allele origin: germline.
Comment: The p.N870D variant (also known as c.2608A>G), located in coding exon 14 of the FANCM gene, results from an A to G substitution at nucleotide position 2608. The asparagine at codon 870 is replaced by aspartic acid, an amino acid with highly similar properties. This amino acid position is conserved. In addition, this alteration is predicted to be tolerated by in silico analysis. Based on the available evidence, the clinical significance of this variant remains unclear.

GeneDx
Classification: Uncertain significance. Last evaluated: 2024-08-20. Review status: criteria provided, single submitter. Criteria: GeneDx Variant Classification Process June 2021. Collection method: clinical testing. Allele origin: germline. Affected: yes.
Comment: Not observed at significant frequency in large population cohorts (gnomAD); In silico analysis indicates that this missense variant does not alter protein structure/function; Has not been previously published as pathogenic or benign to our knowledge

Labcorp Genetics (formerly Invitae), Labcorp
Classification: Uncertain significance for Fanconi anemia. Last evaluated: 2018-10-29. Review status: criteria provided, single submitter. Criteria: Invitae Variant Classification Sherloc (09022015). Collection method: clinical testing. Allele origin: germline.
Comment: This variant is not present in population databases (ExAC no frequency). In summary, the available evidence is currently insufficient to determine the role of this variant in disease. Therefore, it has been classified as a Variant of Uncertain Significance. Algorithms developed to predict the effect of missense changes on protein structure and function (SIFT, PolyPhen-2, Align-GVGD) all suggest that this variant is likely to be tolerated, but these predictions have not been confirmed by published functional studies and their clinical significance is uncertain. This variant has not been reported in the literature in individuals with FANCM-related disease. This sequence change replaces asparagine with aspartic acid at codon 870 of the FANCM protein (p.Asn870Asp). The asparagine residue is weakly conserved and there is a small physicochemical difference between asparagine and aspartic acid.